The following is an entry in ClinVar:

NM_025114.4(CEP290):c.730G>T (p.Glu244Ter)

Gene: CEP290 (centrosomal protein 290; minus strand). Cytogenetic location: 12q21.32.
Variant type: single nucleotide variant.
Coding change: c.730G>T on transcript NM_025114.4 (MANE Select); coding-DNA position 730, G replaced by T.
Protein change: p.Glu244Ter; replaces glutamic acid 244 with a stop codon.
Molecular consequence: nonsense.
Genome position (GRCh38, 1-based): chr12:88,129,816, C>A on the plus strand (G>T on the coding strand, the complement: CEP290 is on the minus strand). VCF-style: chr12-88129816-C-A. GRCh37 (hg19) VCF-style: chr12-88523593-C-A.
Other names: short protein forms E244*.
Identifiers: ClinVar variation 1451938 (VCV001451938.6), dbSNP rs2138086329, ClinGen allele CA385985602.

ClinVar aggregate classification (germline): Pathogenic (1 of 4 stars; one submission).

Conditions:
Nephronophthisis. Also called: Juvenile Nephronophthisis. Identifiers: Orphanet 655, MedGen C0687120, MONDO:0019005, HP:0000090.
Meckel-Gruber syndrome. Also called: DYSENCEPHALIA SPLANCHNOCYSTICA; GRUBER SYNDROME; Dysencephalia splachnocystica. Identifiers: Orphanet 564, MedGen C0265215, MONDO:0018921.
Joubert syndrome. Also called: CEREBELLOPARENCHYMAL DISORDER IV; JOUBERT-BOLTSHAUSER SYNDROME; Familial aplasia of the vermis. Identifiers: Orphanet 475, MedGen C5979921, MONDO:0018772.

Submission:

Labcorp Genetics (formerly Invitae), Labcorp
Classification: Pathogenic for Joubert syndrome; Meckel-Gruber syndrome; Nephronophthisis. Last evaluated: 2022-10-30. Review status: criteria provided, single submitter. Criteria: Invitae Variant Classification Sherloc (09022015). Collection method: clinical testing. Allele origin: germline.
Comment: This sequence change creates a premature translational stop signal (p.Glu244*) in the CEP290 gene. It is expected to result in an absent or disrupted protein product. Loss-of-function variants in CEP290 are known to be pathogenic (PMID: 16909394, 17345604, 20690115). This variant is not present in population databases (gnomAD no frequency). This variant has not been reported in the literature in individuals affected with CEP290-related conditions. ClinVar contains an entry for this variant (Variation ID: 1451938). For these reasons, this variant has been classified as Pathogenic.

Literature cited by the submitters: PubMed 16909394; PubMed 17345604; PubMed 20690115.